The following is an entry in ClinVar:

ClinVar aggregate classification (germline): Pathogenic/Likely pathogenic. Review status: criteria provided, multiple submitters, no conflicts (2 of 4 stars). 3 submissions from 3 submitters: Pathogenic (1); Likely pathogenic (2). Last evaluated 2025-08-05.

Conditions:
Intellectual developmental disorder, X-linked 30. Also called: MENTAL RETARDATION, X-LINKED 47; Intellectual disability, X-linked 30. Identifiers: Orphanet 777, MedGen C0796237, MONDO:0010361, OMIM 300558.
Inborn genetic diseases. Identifiers: MedGen C0950123, MeSH D030342.
PAK3-related disorder. Also called: PAK3-related condition.

Submissions (3):

Ambry Genetics
Classification: Pathogenic for Inborn genetic diseases. Last evaluated: 2025-08-05. Review status: criteria provided, single submitter. Criteria: Ambry Variant Classification Scheme 2023. Collection method: clinical testing. Allele origin: germline.
Comment: The c.1306C>T (p.R436*) alteration, located in exon 16 (coding exon 12) of the PAK3 gene, consists of a C to T substitution at nucleotide position 1306. This changes the amino acid from an arginine (R) to a stop codon at amino acid position 436. This alteration is expected to result in loss of function by premature protein truncation or nonsense-mediated mRNA decay. This variant was not reported in population-based cohorts in the Genome Aggregation Database (gnomAD). This variant was reported in individual(s) with features consistent with PAK3-related neurodevelopmental disorder (Nicolas-Martinez, 2024). Based on the available evidence, this alteration is classified as pathogenic.

Blueprint Genetics
Classification: Likely pathogenic for PAK3-related disorders. Last evaluated: 2024-05-08. Review status: criteria provided, single submitter. Criteria: ACMG Guidelines, 2015. Collection method: clinical testing. Allele origin: germline. Affected: yes. Observed: 1 variant allele.

Pittsburgh Clinical Genomics Laboratory, University of Pittsburgh Medical Center
Classification: Likely pathogenic for Intellectual developmental disorder, X-linked 30. Last evaluated: 2023-08-09. Review status: criteria provided, single submitter. Criteria: ACMG Guidelines, 2015. Collection method: clinical testing. Allele origin: germline. Inheritance: X-linked recessive inheritance. Affected: yes.
Comment: This sequence variant is a single nucleotide substitution (C>T) at coding position 1306 of the PAK3 gene which changes the Arg436 codon to an early termition sigl. As it occurs in exon 16 of 18, this variant is predicted to generate a non-functiol allele through either the expression of a truncated protein or a loss of PAK3 expression due to nonsense-mediated decay. This novel variant is absent from ClinVar, published literature, and the gnomAD population database (0/183342 alleles). Truncation elimites part of the PAK3 kise domain (UniProt). Based upon the evidence, we consider this variant to be likely pathogenic. ACMG Criteria: PM2, PVS1

Literature cited by the submitters: PubMed 39084224 (cited by Ambry Genetics).

NM_002578.5(PAK3):c.1306C>T (p.Arg436Ter)

Gene: PAK3 (p21 (RAC1) activated kinase 3; plus strand). Cytogenetic location: Xq23.
Variant type: single nucleotide variant.
Coding change: c.1306C>T on transcript NM_002578.5 (MANE Select); coding-DNA position 1306, C replaced by T.
Protein change: p.Arg436Ter; replaces arginine 436 with a stop codon.
Molecular consequence: nonsense. On other transcripts: non-coding transcript variant (2).
Genome position (GRCh38, 1-based): chrX:111,196,539, C>T. VCF-style: chrX-111196539-C-T. GRCh37 (hg19) VCF-style: chrX-110439767-C-T.
Other names: c.1306C>T (NM_002578.3); c.1306C>T, p.Arg436Ter (NM_001128166.3, NM_001128167.3, NM_001324325.2 and 5 more transcripts); c.1414C>T, p.Arg472Ter (NM_001128168.3); c.1369C>T, p.Arg457Ter (NM_001128172.2); c.1351C>T, p.Arg451Ter (NM_001128173.3, NM_001324327.2, NM_001324328.2 and 2 more transcripts); short protein forms R436*, R451*, R457*, R472*.
Identifiers: ClinVar variation 3376283 (VCV003376283.3).